The following is an entry in ClinVar:

ClinVar aggregate classification (germline): Benign. Review status: criteria provided, multiple submitters, no conflicts (2 of 4 stars). 3 submissions from 3 submitters: Benign (2). 1 of the submissions does not count toward it. Last evaluated 2018-06-14.

Allele frequency attached by ClinVar (database versions not stated): gnomAD exomes 0.17408; gnomAD 0.20350 and 0.21022; TOPMed 0.21561; 1000 Genomes Project 30x 0.27467; 1000 Genomes Project 0.27576.
gnomAD v4.1: 246,961 of 1,384,122 alleles (18%); highest among the groups gnomAD compares: South Asian, 37%; 25,299 homozygotes.

Submissions (3):

GeneDx
Classification: Benign. Last evaluated: 2018-06-14. Review status: criteria provided, single submitter. Criteria: GeneDx Variant Classification (06012015). Collection method: clinical testing. Allele origin: germline. Affected: yes.
Comment: This variant is considered likely benign or benign based on one or more of the following criteria: it is a conservative change, it occurs at a poorly conserved position in the protein, it is predicted to be benign by multiple in silico algorithms, and/or has population frequency not consistent with disease.

Breakthrough Genomics
Classification: Benign. Review status: criteria provided, single submitter. Criteria: ACMG Guidelines, 2015. Collection method: not provided. Allele origin: germline. Inheritance: Autosomal recessive inheritance. Affected: yes.

RYR1 database
No classification provided. Review status: no classification provided. Collection method: not provided. Allele origin: unknown. Not counted in ClinVar's aggregate classification.

NM_000540.3(RYR1):c.9173-98T>G

Gene: RYR1 (ryanodine receptor 1; plus strand). Cytogenetic location: 19q13.2.
Variant type: single nucleotide variant.
Coding change: c.9173-98T>G on transcript NM_000540.3 (MANE Select); 98 bases into the intron before coding-DNA position 9173, T replaced by G.
Molecular consequence: intron variant.
Genome position (GRCh38, 1-based): chr19:38,511,974, T>G. VCF-style: chr19-38511974-T-G. GRCh37 (hg19) VCF-style: chr19-39002614-T-G.
Other names: c.9173-98T>G (NM_001042723.2).
Identifiers: ClinVar variation 133239 (VCV000133239.3), dbSNP rs2960337, ClinGen allele CA024967.